The following is an entry in ClinVar:

ClinVar aggregate classification (germline): Uncertain significance (1 of 4 stars; one submission).

Conditions:
Hereditary cancer-predisposing syndrome. Also called: Neoplastic Syndromes, Hereditary; Tumor predisposition; Hereditary neoplastic syndrome; Hereditary Cancer Syndrome. Identifiers: Orphanet 140162, MedGen C0027672, MeSH D009386, MONDO:0015356.

Submission:

Ambry Genetics
Classification: Uncertain significance for Hereditary cancer-predisposing syndrome. Last evaluated: 2023-12-29. Review status: criteria provided, single submitter. Criteria: Ambry Variant Classification Scheme 2023. Collection method: clinical testing. Allele origin: germline.
Comment: The p.P496A variant (also known as c.1486C>G), located in coding exon 14 of the NF2 gene, results from a C to G substitution at nucleotide position 1486. The proline at codon 496 is replaced by alanine, an amino acid with highly similar properties. This amino acid position is conserved. In addition, this alteration is predicted to be tolerated by in silico analysis. Since supporting evidence is limited at this time, the clinical significance of this alteration remains unclear.

NM_000268.4(NF2):c.1486C>G (p.Pro496Ala)

Gene: NF2 (NF2, moesin-ezrin-radixin like (MERLIN) tumor suppressor; plus strand). Cytogenetic location: 22q12.2.
Variant type: single nucleotide variant.
Coding change: c.1486C>G on transcript NM_000268.4 (MANE Select); coding-DNA position 1486, C replaced by G.
Protein change: p.Pro496Ala; replaces proline 496 with alanine.
Molecular consequence: missense variant. On other transcripts: non-coding transcript variant (1), intron variant (1).
Genome position (GRCh38, 1-based): chr22:29,678,235, C>G. VCF-style: chr22-29678235-C-G. GRCh37 (hg19) VCF-style: chr22-30074224-C-G.
Other names: c.1372C>G, p.Pro458Ala (NM_001407053.1, NM_001407056.1); c.1363C>G, p.Pro455Ala (NM_001407054.1, NM_001407058.1, NM_181829.3); c.1360C>G, p.Pro454Ala (NM_001407055.1, NM_181828.3); c.1351C>G, p.Pro451Ala (NM_001407057.1, NM_001407059.1); c.1486C>G, p.Pro496Ala (NM_001407060.1, NM_001407066.1, NM_016418.5 and 2 more transcripts); c.1228C>G, p.Pro410Ala (NM_001407062.1); c.1237C>G, p.Pro413Ala (NM_001407063.1, NM_001407064.1, NM_181830.3 and 1 more transcripts); c.952C>G, p.Pro318Ala (NM_001407065.1); and 2 more; short protein forms P318A, P410A, P413A, P419A, P451A, P454A, P455A, P458A.
Identifiers: ClinVar variation 3231080 (VCV003231080.1), dbSNP rs2518712110, ClinGen allele CA411149616.